The following is an entry in ClinVar:

NM_000260.4(MYO7A):c.1643A>G (p.Gln548Arg)

Gene: MYO7A (myosin VIIA; plus strand). Cytogenetic location: 11q13.5.
Variant type: single nucleotide variant.
Coding change: c.1643A>G on transcript NM_000260.4 (MANE Select); coding-DNA position 1643, A replaced by G.
Protein change: p.Gln548Arg; replaces glutamine 548 with arginine.
Molecular consequence: missense variant.
Genome position (GRCh38, 1-based): chr11:77,162,941, A>G. VCF-style: chr11-77162941-A-G. GRCh37 (hg19) VCF-style: chr11-76873987-A-G.
Other names: c.1643A>G, p.Gln548Arg (NM_001127180.2); c.1610A>G, p.Gln537Arg (NM_001369365.1); short protein forms Q548R, Q537R.
Identifiers: ClinVar variation 1494736 (VCV001494736.6), dbSNP rs1953144028, ClinGen allele CA381936240.

ClinVar aggregate classification (germline): Uncertain significance (1 of 4 stars; one submission).

Allele frequency attached by ClinVar (database versions not stated): gnomAD exomes below 0.00001; TOPMed below 0.00001; gnomAD 0.00001.
gnomAD v4.1: 5 of 1,613,686 alleles (0.00031%); highest among the groups gnomAD compares: Non-Finnish European, 0.00042%; no homozygotes.

Submission:

Labcorp Genetics (formerly Invitae), Labcorp
Classification: Uncertain significance. Last evaluated: 2024-02-17. Review status: criteria provided, single submitter. Criteria: Invitae Variant Classification Sherloc (09022015). Collection method: clinical testing. Allele origin: germline.
Comment: This sequence change replaces glutamine, which is neutral and polar, with arginine, which is basic and polar, at codon 548 of the MYO7A protein (p.Gln548Arg). This variant is not present in population databases (gnomAD no frequency). This variant has not been reported in the literature in individuals affected with MYO7A-related conditions. ClinVar contains an entry for this variant (Variation ID: 1494736). Advanced modeling of protein sequence and biophysical properties (such as structural, functional, and spatial information, amino acid conservation, physicochemical variation, residue mobility, and thermodynamic stability) performed at Invitae indicates that this missense variant is not expected to disrupt MYO7A protein function with a negative predictive value of 95%. In summary, the available evidence is currently insufficient to determine the role of this variant in disease. Therefore, it has been classified as a Variant of Uncertain Significance.